The following is an entry in ClinVar:

ClinVar aggregate classification (germline): Pathogenic. Review status: criteria provided, multiple submitters, no conflicts (2 of 4 stars). 3 submissions from 3 submitters: Pathogenic (3). Last evaluated 2024-03-21.

Conditions:
Hereditary hemorrhagic telangiectasia (HHT). Also called: ORW DISEASE; Osler Weber Rendu syndrome; OSLER-RENDU-WEBER DISEASE; Osler hemorrhagic telangiectasia syndrome. Identifiers: Orphanet 774, MedGen C0039445, MONDO:0019180. Disease mechanism: loss of function.
Cardiovascular phenotype. Identifiers: MedGen CN230736.

gnomAD v4.1: 1 of 1,612,288 alleles (0.000062%); highest among the groups gnomAD compares: South Asian, 0.0011%; no homozygotes.

Submissions (3):

Labcorp Genetics (formerly Invitae), Labcorp
Classification: Pathogenic for Hereditary hemorrhagic telangiectasia. Last evaluated: 2024-03-21. Review status: criteria provided, single submitter. Criteria: Invitae Variant Classification Sherloc (09022015). Collection method: clinical testing. Allele origin: germline.
Comment: This sequence change creates a premature translational stop signal (p.Ser431*) in the ENG gene. It is expected to result in an absent or disrupted protein product. Loss-of-function variants in ENG are known to be pathogenic (PMID: 15879500). This variant is not present in population databases (gnomAD no frequency). This premature translational stop signal has been observed in individual(s) with ENG-related conditions (PMID: 16752392). ClinVar contains an entry for this variant (Variation ID: 449318). For these reasons, this variant has been classified as Pathogenic.

Ambry Genetics
Classification: Pathogenic for Cardiovascular phenotype. Last evaluated: 2022-01-06. Review status: criteria provided, single submitter. Criteria: Ambry Variant Classification Scheme 2023. Collection method: clinical testing. Allele origin: germline.
Comment: The p.S431* pathogenic mutation (also known as c.1292C>A), located in coding exon 10 of the ENG gene, results from a C to A substitution at nucleotide position 1292. This changes the amino acid from a serine to a stop codon within coding exon 10. This alteration was reported in an individual with a clinical diagnosis of hereditary hemorrhagic telangiectasia (Bossler AD et al. Hum Mutat, 2006 Jul;27:667-75). This variant is considered to be rare based on population cohorts in the Genome Aggregation Database (gnomAD). In addition, this alteration is expected to result in loss of function by premature protein truncation or nonsense-mediated mRNA decay. As such, this alteration is interpreted as a disease-causing mutation.

GeneDx
Classification: Pathogenic. Last evaluated: 2017-07-31. Review status: criteria provided, single submitter. Criteria: GeneDx Variant Classification (06012015). Collection method: clinical testing. Allele origin: germline. Affected: yes.
Comment: The S431X pathogenic variant in the ENG gene has been previously reported in an individual with a confirmed clinical diagnosis of HHT due to a history of epistaxis, telangiectasias, AVMs, and a family history of HHT (Bossler et al., 2006). S431X is predicted to cause loss of normal protein function either by protein truncation or nonsense-mediated mRNA decay. Multiple other nonsense variants in the ENG gene have been reported in the Human Gene Mutation Database in association with HHT (Stenson et al., 2014). Furthermore, the S431X variant is not observed in large population cohorts (Lek et al., 2016; 1000 Genomes Consortium et al., 2015; Exome Variant Server).

Literature cited by the submitters: PubMed 15879500 (cited by Labcorp Genetics (formerly Invitae), Labcorp); PubMed 16752392 (cited by Labcorp Genetics (formerly Invitae), Labcorp and Ambry Genetics).

NM_001114753.3(ENG):c.1292C>A (p.Ser431Ter)

Genes: ENG (endoglin; minus strand), LOC102723566 (uncharacterized LOC102723566; plus strand). Cytogenetic location: 9q34.11.
Variant type: single nucleotide variant.
Coding change: c.1292C>A on transcript NM_001114753.3 (MANE Select); coding-DNA position 1292, C replaced by A.
Protein change: p.Ser431Ter; replaces serine 431 with a stop codon.
Molecular consequence: nonsense.
Genome position (GRCh38, 1-based): chr9:127,819,641, G>T on the plus strand (C>A on the coding strand, the complement: ENG is on the minus strand). VCF-style: chr9-127819641-G-T. GRCh37 (hg19) VCF-style: chr9-130581920-G-T.
Other names: c.1292C>A, p.Ser431Ter (NM_000118.4); c.746C>A, p.Ser249Ter (NM_001278138.2); short protein forms S431*, S249*.
Identifiers: ClinVar variation 449318 (VCV000449318.9), dbSNP rs761353511, ClinGen allele CA374978051.
Genomic context (GRCh38, chr9:127,819,641, plus strand): 5'-CCCCTGGGCCAGGTGGGTTAGCACGTGACTGTCCATCTCACCCGCTGTGGTGATGAGCTC[G>T]ACAGGATATTGACCACCGCCTGCGGGGATAAAGCCAGGGAGCTGGTCAGAGCCAGAAAGG-3'